The following is an entry in ClinVar:

NM_000338.3(SLC12A1):c.1087+2T>C

Gene: SLC12A1 (solute carrier family 12 member 1; plus strand). Cytogenetic location: 15q21.1.
Variant type: single nucleotide variant.
Coding change: c.1087+2T>C on transcript NM_000338.3 (MANE Select); the canonical splice donor site of the intron after coding-DNA position 1087, T replaced by C.
Molecular consequence: splice donor variant.
Genome position (GRCh38, 1-based): chr15:48,232,840, T>C. VCF-style: chr15-48232840-T-C. GRCh37 (hg19) VCF-style: chr15-48525037-T-C.
Other names: c.1087+2T>C (NM_001384136.1, NM_001184832.2).
Identifiers: ClinVar variation 3012081 (VCV003012081.4), dbSNP rs2505053163, ClinGen allele CA392308236.

ClinVar aggregate classification (germline): Pathogenic/Likely pathogenic. Review status: criteria provided, multiple submitters, no conflicts (2 of 4 stars). 2 submissions from 2 submitters: Pathogenic (1); Likely pathogenic (1). Last evaluated 2025-09-10.

Conditions:
Bartter disease type 1. Also called: HYPERPROSTAGLANDIN E SYNDROME 1; Bartter syndrome, type 1, antenatal; Bartter Syndrome type 1; HYPOKALEMIC ALKALOSIS WITH HYPERCALCIURIA 1, ANTENATAL. Identifiers: Orphanet 112, Orphanet 620217, MedGen C1866495, MONDO:0100344, OMIM 601678, MONDO:0011127.

Submissions (2):

Labcorp Genetics (formerly Invitae), Labcorp
Classification: Likely pathogenic. Last evaluated: 2025-09-10. Review status: criteria provided, single submitter. Criteria: Invitae Variant Classification Sherloc (09022015). Collection method: clinical testing. Allele origin: germline.
Comment: This sequence change affects a donor splice site in intron 8 of the SLC12A1 gene. It is expected to disrupt RNA splicing. Variants that disrupt the donor or acceptor splice site typically lead to a loss of protein function (PMID: 16199547), and loss-of-function variants in SLC12A1 are known to be pathogenic (PMID: 8640224, 9585600, 19096086). This variant is not present in population databases (gnomAD no frequency). This variant has not been reported in the literature in individuals affected with SLC12A1-related conditions. ClinVar contains an entry for this variant (Variation ID: 3012081). Algorithms developed to predict the effect of sequence changes on RNA splicing suggest that this variant may disrupt the consensus splice site. In summary, the currently available evidence indicates that the variant is pathogenic, but additional data are needed to prove that conclusively. Therefore, this variant has been classified as Likely Pathogenic.

3billion
Classification: Pathogenic for Bartter disease type 1. Last evaluated: 2025-02-03. Review status: criteria provided, single submitter. Criteria: ACMG Guidelines, 2015. Collection method: clinical testing. Allele origin: germline. Affected: yes.
Comment: The variant is not observed in the gnomAD v4.1.0 dataset. Predicted Consequence/Location: Canonical splice site: predicted to alter splicing and result in a loss or disruption of normal protein function. Multiple pathogenic loss-of-function variants are reported downstream of the variant. In silico tools predict the variant to alter splicing and produce an abnormal transcript [SpliceAI: 0.97 (spliceogenicity >=0.2, non-spliceogenicity <0.1)]. The variant has been reported to be associated with SLC12A1-related disorder (ClinVar ID: VCV003012081). Therefore, this variant is classified as Pathogenic according to the recommendation of ACMG/AMP guideline.

Literature cited by the submitters: PubMed 16199547 (cited by Labcorp Genetics (formerly Invitae), Labcorp); PubMed 8640224 (cited by Labcorp Genetics (formerly Invitae), Labcorp); PubMed 9585600 (cited by Labcorp Genetics (formerly Invitae), Labcorp); PubMed 19096086 (cited by Labcorp Genetics (formerly Invitae), Labcorp).